The following is an entry in ClinVar:

NM_000875.5(IGF1R):c.3348C>T (p.Ala1116=)

Gene: IGF1R (insulin like growth factor 1 receptor; plus strand). Cytogenetic location: 15q26.3.
Variant type: single nucleotide variant.
Coding change: c.3348C>T on transcript NM_000875.5 (MANE Select); coding-DNA position 3348, C replaced by T.
Protein change: p.Ala1116=; no amino-acid change (alanine 1116 retained).
Molecular consequence: synonymous variant.
Genome position (GRCh38, 1-based): chr15:98,939,251, C>T. VCF-style: chr15-98939251-C-T. GRCh37 (hg19) VCF-style: chr15-99482480-C-T.
Other names: c.3345C>T, p.Ala1115= (NM_001291858.2).
Identifiers: ClinVar variation 2645734 (VCV002645734.26), dbSNP rs529800854, ClinGen allele CA7752659.
Genomic context (GRCh38, chr15:98,939,251, plus strand): 5'-TCTCCAACAGAATAATCCAGTCCTAGCACCTCCAAGCCTGAGCAAGATGATTCAGATGGC[C>T]GGAGAGATTGCAGACGGCATGGCATACCTCAACGCCAATAAGTTCGTCCACAGAGACCTT-3'
Protein context (NP_000866.1, residues 1106-1126): PPSLSKMIQM[Ala1116=]GEIADGMAYL

ClinVar aggregate classification (germline): Likely benign. Review status: criteria provided, multiple submitters, no conflicts (2 of 4 stars). 2 submissions from 2 submitters: Likely benign (2). Last evaluated 2024-10-20.

Allele frequency attached by ClinVar (database versions not stated): ExAC 0.00002; gnomAD 0.00003; TOPMed 0.00006.
gnomAD v4.1: 41 of 1,613,698 alleles (0.0025%); highest among the groups gnomAD compares: Middle Eastern, 0.033%; 1 homozygote.

Submissions (2):

Labcorp Genetics (formerly Invitae), Labcorp
Classification: Likely benign. Last evaluated: 2024-10-20. Review status: criteria provided, single submitter. Criteria: Invitae Variant Classification Sherloc (09022015). Collection method: clinical testing. Allele origin: germline.

CeGaT Center for Human Genetics Tuebingen
Classification: Likely benign. Last evaluated: 2023-09-01. Review status: criteria provided, single submitter. Criteria: CeGaT Center For Human Genetics Tuebingen Variant Classification Criteria Version 2. Collection method: clinical testing. Allele origin: germline. Affected: yes. Observed: 1 variant allele.
Comment: IGF1R: BP4, BP7